The following is an entry in ClinVar:

ClinVar aggregate classification (germline): Pathogenic (1 of 4 stars; one submission).

Conditions:
Fabry disease. Also called: ALPHA-GALACTOSIDASE A DEFICIENCY; ANDERSON-FABRY DISEASE; CERAMIDE TRIHEXOSIDASE DEFICIENCY; GLA DEFICIENCY; HEREDITARY DYSTOPIC LIPIDOSIS; Angiokeratoma corporis diffusum. Identifiers: Orphanet 324, MedGen C0002986, MONDO:0010526, OMIM 301500, HP:0001071. Disease mechanism: Fabry disease is due to inactivating mutations in the X-linked GLA gene resulting in deficiency of the enzyme Alpha Galactosidase-A., loss of function.

Submission:

Genomenon, Inc
Classification: Pathogenic for Fabry disease. Last evaluated: 2026-09-08. Review status: criteria provided, single submitter. Criteria: Genomenon Sequence Variant Interpretation Standards - Updated. Collection method: curation. Allele origin: germline. Affected: yes.
Comment: GLA p.Trp204Cys (c.612G>T) is a missense variant that changes the amino acid at codon 204 from Tryptophan to Cysteine. This variant has been observed in at least one proband with clinical features consistent with Fabry disease (PMID:22176145). At least one functional study has demonstrated a substantial alteration in protein function relative to the wild-type (PMID:27657681). This variant is located in a mutational hotspot and/or important functional domain. It is absent or not present at a significant frequency in gnomAD. In silico models predict that this variant is possibly or probably damaging. In conclusion, we classify GLA p.Trp204Cys (c.612G>T) as a pathogenic variant.

Literature cited by the submitters: PubMed 22176145; PubMed 27657681.

NM_000169.3(GLA):c.612G>T (p.Trp204Cys)

Genes: GLA (galactosidase alpha; minus strand), RPL36A-HNRNPH2 (RPL36A-HNRNPH2 readthrough; plus strand). Cytogenetic location: Xq22.1.
Variant type: single nucleotide variant.
Coding change: c.612G>T on transcript NM_000169.3 (MANE Select); coding-DNA position 612, G replaced by T.
Protein change: p.Trp204Cys; replaces tryptophan 204 with cysteine.
Molecular consequence: missense variant. On other transcripts: non-coding transcript variant (2), intron variant (2).
Genome position (GRCh38, 1-based): chrX:101,400,693, C>A on the plus strand (G>T on the coding strand, the complement: GLA is on the minus strand). VCF-style: chrX-101400693-C-A. GRCh37 (hg19) VCF-style: chrX-100655681-C-A.
Other names: c.735G>T, p.Trp245Cys (NM_001406747.1); c.612G>T, p.Trp204Cys (NM_001406748.1); c.300+5236C>A (NM_001199973.2); c.177+8871C>A (NM_001199974.2); short protein forms W204C, W245C.
Identifiers: ClinVar variation 4087431 (VCV004087431.2).